The following is an entry in ClinVar:

ClinVar aggregate classification (germline): Likely pathogenic (1 of 4 stars; one submission).

Submission:

GeneDx
Classification: Likely pathogenic. Last evaluated: 2023-12-14. Review status: criteria provided, single submitter. Criteria: GeneDx Variant Classification Process June 2021. Collection method: clinical testing. Allele origin: germline. Affected: yes.
Comment: Located in a region of TTN within the I-band in which the majority of loss of function variants are significantly associated with autosomal dominant titinopathies (PMID: 27625338, 27869827); Not observed at significant frequency in large population cohorts (gnomAD); Has not been previously published as pathogenic or benign to our knowledge; This variant is associated with the following publications: (PMID: 27625338, 27869827)

NM_001267550.2(TTN):c.9654C>G (p.Tyr3218Ter)

Gene: TTN (titin; minus strand). Cytogenetic location: 2q31.2.
Variant type: single nucleotide variant.
Coding change: c.9654C>G on transcript NM_001267550.2 (MANE Select); coding-DNA position 9654, C replaced by G.
Protein change: p.Tyr3218Ter; replaces tyrosine 3218 with a stop codon.
Molecular consequence: nonsense.
Genome position (GRCh38, 1-based): chr2:178,766,430, G>C on the plus strand (C>G on the coding strand, the complement: TTN is on the minus strand). VCF-style: chr2-178766430-G-C. GRCh37 (hg19) VCF-style: chr2-179631157-G-C.
Other names: c.9654C>G, p.Tyr3218Ter (NM_001256850.1, NM_133378.4, NM_133379.5); c.9516C>G, p.Tyr3172Ter (NM_003319.4, NM_133432.3, NM_133437.4); c.9654C>G (NM_001267550.1); short protein forms Y3218*, Y3172*.
Identifiers: ClinVar variation 503657 (VCV000503657.7), dbSNP rs1553987591, ClinGen allele CA349674681.